The following is an entry in ClinVar:

ClinVar aggregate classification (germline): Uncertain significance (1 of 4 stars; one submission).

Submission:

Labcorp Genetics (formerly Invitae), Labcorp
Classification: Uncertain significance. Last evaluated: 2022-08-07. Review status: criteria provided, single submitter. Criteria: Invitae Variant Classification Sherloc (09022015). Collection method: clinical testing. Allele origin: germline.
Comment: This sequence change affects codon 122 of the GPR45 mRNA. It is a 'silent' change, meaning that it does not change the encoded amino acid sequence of the GPR45 protein. This variant is not present in population databases (gnomAD no frequency). This variant has not been reported in the literature in individuals affected with GPR45-related conditions. In summary, the available evidence is currently insufficient to determine the role of this variant in disease. Therefore, it has been classified as a Variant of Uncertain Significance.

NM_007227.3(GPR45):c.366G>T (p.Val122=)

Gene: GPR45 (G protein-coupled receptor 45; plus strand). Cytogenetic location: 2q12.1.
Variant type: single nucleotide variant.
Coding change: c.366G>T on transcript NM_007227.3 (MANE Select); coding-DNA position 366, G replaced by T.
Protein change: p.Val122=; no amino-acid change (valine 122 retained).
Molecular consequence: synonymous variant.
Genome position (GRCh38, 1-based): chr2:105,242,224, G>T. VCF-style: chr2-105242224-G-T. GRCh37 (hg19) VCF-style: chr2-105858681-G-T.
Identifiers: ClinVar variation 2022483 (VCV002022483.4), dbSNP rs2466838067, ClinGen allele CA428208415.
Genomic context (GRCh38, chr2:105,242,224, plus strand): 5'-TGGGGACCACTTCTGCCGCCTCTCAGCCACGCTCTACTGGTTTTTTGTCCTGGAGGGCGT[G>T]GCCATCCTGCTCATCATCAGCGTGGACCGCTTCCTCATCATCGTCCAGCGCCAGGACAAG-3'
Protein context (NP_009158.3, residues 112-132): TLYWFFVLEG[Val122=]AILLIISVDR